The following is an entry in ClinVar:

NM_014413.4(EIF2AK1):c.1072A>G (p.Thr358Ala)

Gene: EIF2AK1 (eukaryotic translation initiation factor 2 alpha kinase 1; minus strand). Cytogenetic location: 7p22.1.
Variant type: single nucleotide variant.
Coding change: c.1072A>G on transcript NM_014413.4 (MANE Select); coding-DNA position 1072, A replaced by G.
Protein change: p.Thr358Ala; replaces threonine 358 with alanine.
Molecular consequence: missense variant.
Genome position (GRCh38, 1-based): chr7:6,040,939, T>C on the plus strand (A>G on the coding strand, the complement: EIF2AK1 is on the minus strand). VCF-style: chr7-6040939-T-C. GRCh37 (hg19) VCF-style: chr7-6080570-T-C.
Other names: c.1069A>G, p.Thr357Ala (NM_001134335.2); short protein forms T357A, T358A.
Identifiers: ClinVar variation 3664693 (VCV003664693.2).
Genomic context (GRCh38, chr7:6,040,939, plus strand): 5'-GAAAGTAATCTACCTCTGTCTGACCCAAAAAGTTGACATTTTCTTCGGAAGATTCTTCGG[T>C]GGATGTGAAACTCTCCTCTAGGTGGGAATTACGCCTGAGTGGCAGCTGCTGTTCCACAAT-3'
Protein context (NP_055228.2, residues 348-368): NSHLEESFTS[Thr358Ala]EESSEENVNF

ClinVar aggregate classification (germline): Uncertain significance (1 of 4 stars; one submission).

gnomAD v4.1: 1 of 1,614,132 alleles (0.000062%); highest among the groups gnomAD compares: Non-Finnish European, 0.000085%; no homozygotes.

Submission:

Labcorp Genetics (formerly Invitae), Labcorp
Classification: Uncertain significance. Last evaluated: 2024-03-20. Review status: criteria provided, single submitter. Criteria: Invitae Variant Classification Sherloc (09022015). Collection method: clinical testing. Allele origin: germline.
Comment: This sequence change replaces threonine, which is neutral and polar, with alanine, which is neutral and non-polar, at codon 358 of the EIF2AK1 protein (p.Thr358Ala). This variant is not present in population databases (gnomAD no frequency). This variant has not been reported in the literature in individuals affected with EIF2AK1-related conditions. Algorithms developed to predict the effect of missense changes on protein structure and function output the following: SIFT: "Not Available"; PolyPhen-2: "Benign"; Align-GVGD: "Not Available". The alanine amino acid residue is found in multiple mammalian species, which suggests that this missense change does not adversely affect protein function. In summary, the available evidence is currently insufficient to determine the role of this variant in disease. Therefore, it has been classified as a Variant of Uncertain Significance.